The following is an entry in ClinVar:

NM_000038.6(APC):c.1662A>C (p.Arg554=)

Gene: APC (APC regulator of Wnt signaling pathway; plus strand). Cytogenetic location: 5q22.2.
Variant type: single nucleotide variant.
Coding change: c.1662A>C on transcript NM_000038.6 (MANE Select); coding-DNA position 1662, A replaced by C.
Protein change: p.Arg554=; no amino-acid change (arginine 554 retained).
Molecular consequence: synonymous variant.
Genome position (GRCh38, 1-based): chr5:112,828,891, A>C. VCF-style: chr5-112828891-A-C. GRCh37 (hg19) VCF-style: chr5-112164588-A-C.
Other names: c.1182A>C, p.Arg394= (NM_001354905.2); c.813A>C, p.Arg271= (NM_001354906.2); c.1662A>C, p.Arg554= (NM_001127510.3, NM_001354895.2); c.1608A>C, p.Arg536= (NM_001127511.3); c.1716A>C, p.Arg572= (NM_001354896.2); c.1692A>C, p.Arg564= (NM_001354897.2); c.1587A>C, p.Arg529= (NM_001354898.2); c.1578A>C, p.Arg526= (NM_001354899.2); and 5 more.
Identifiers: ClinVar variation 384511 (VCV000384511.13), dbSNP rs1057521976, ClinGen allele CA16605141.
Genomic context (GRCh38, chr5:112,828,891, plus strand): 5'-TAATCTAAAATTGATTAATTTGCAGGTTATTGCGAGTGTTTTGAGGAATTTGTCTTGGCG[A>C]GCAGATGTAAATAGTAAAAAGACGTTGCGAGAAGTTGGAAGTGTGAAAGCATTGATGGAA-3'
Protein context (NP_000029.2, residues 544-564): IASVLRNLSW[Arg554=]ADVNSKKTLR

ClinVar aggregate classification (germline): Benign/Likely benign. Review status: criteria provided, multiple submitters, no conflicts (2 of 4 stars). 4 submissions from 4 submitters: Benign (1); Likely benign (3). Last evaluated 2025-06-01.

Conditions:
Hereditary cancer-predisposing syndrome. Also called: Hereditary Cancer Syndrome; Hereditary neoplastic syndrome; Neoplastic Syndromes, Hereditary; Tumor predisposition. Identifiers: Orphanet 140162, MedGen C0027672, MeSH D009386, MONDO:0015356.
Familial adenomatous polyposis 1 (FAP1). Also called: FAMILIAL ADENOMATOUS POLYPOSIS 1, ATTENUATED; POLYPOSIS, ADENOMATOUS INTESTINAL. Identifiers: MedGen C2713442, MONDO:0021056, OMIM 175100. Disease mechanism: loss of function.

Allele frequency attached by ClinVar (database versions not stated): gnomAD exomes below 0.00001; gnomAD 0.00001; TOPMed 0.00002.
gnomAD v4.1: 2 of 1,613,774 alleles (0.00012%); highest among the groups gnomAD compares: Admixed American, 0.0017%; no homozygotes.

Submissions (4):

Labcorp Genetics (formerly Invitae), Labcorp
Classification: Likely benign for Familial adenomatous polyposis 1. Last evaluated: 2025-06-01. Review status: criteria provided, single submitter. Criteria: Invitae Variant Classification Sherloc (09022015). Collection method: clinical testing. Allele origin: germline.

Myriad Genetics, Inc.
Classification: Benign for Familial adenomatous polyposis 1. Last evaluated: 2024-03-06. Review status: criteria provided, single submitter. Criteria: Myriad Autosomal Dominant, Autosomal Recessive and X-Linked Classification Criteria (2023). Collection method: clinical testing. Allele origin: unknown.
Comment: This variant is considered benign. This variant is a silent/synonymous amino acid change and it is not expected to impact splicing.

Ambry Genetics
Classification: Likely benign for Hereditary cancer-predisposing syndrome. Last evaluated: 2020-06-23. Review status: criteria provided, single submitter. Criteria: Ambry Variant Classification Scheme 2023. Collection method: clinical testing. Allele origin: germline.

GeneDx
Classification: Likely benign. Last evaluated: 2018-01-22. Review status: criteria provided, single submitter. Criteria: GeneDx Variant Classification (06012015). Collection method: clinical testing. Allele origin: germline. Affected: yes.
Comment: This variant is considered likely benign or benign based on one or more of the following criteria: it is a conservative change, it occurs at a poorly conserved position in the protein, it is predicted to be benign by multiple in silico algorithms, and/or has population frequency not consistent with disease.